The following is an entry in ClinVar:

NM_025233.7(COASY):c.1528G>A (p.Ala510Thr)

Gene: COASY (Coenzyme A synthase; plus strand). Cytogenetic location: 17q21.2.
Variant type: single nucleotide variant.
Coding change: c.1528G>A on transcript NM_025233.7 (MANE Select); coding-DNA position 1528, G replaced by A.
Protein change: p.Ala510Thr; replaces alanine 510 with threonine.
Molecular consequence: missense variant.
Genome position (GRCh38, 1-based): chr17:42,565,701, G>A. VCF-style: chr17-42565701-G-A. GRCh37 (hg19) VCF-style: chr17-40717719-G-A.
Other names: c.1528G>A, p.Ala510Thr (NM_001042529.3); c.1615G>A, p.Ala539Thr (NM_001042532.4); c.1615G>A (NM_001042532.2); c.1528G>A (NM_025233.6); short protein forms A539T, A510T.
Identifiers: ClinVar variation 1418186 (VCV001418186.9), dbSNP rs199623481, ClinGen allele CA8578383.

ClinVar aggregate classification (germline): Uncertain significance. Review status: criteria provided, multiple submitters, no conflicts (2 of 4 stars). 3 submissions from 3 submitters: Uncertain significance (3). Last evaluated 2025-12-09.

Conditions:
Neurodegeneration with brain iron accumulation 6 (NBIA6). Also called: COASY protein-associated neurodegeneration. Identifiers: Orphanet 397725, MedGen C4517377, MONDO:0014290, OMIM 615643.

Allele frequency attached by ClinVar (database versions not stated): ExAC 0.00008; gnomAD exomes 0.00010; 1000 Genomes Project 30x 0.00016; 1000 Genomes Project 0.00020.
gnomAD v4.1: 35 of 1,614,014 alleles (0.0022%); highest among the groups gnomAD compares: East Asian, 0.058%; no homozygotes.

Submissions (3):

Ambry Genetics
Classification: Uncertain significance. Last evaluated: 2025-12-09. Review status: criteria provided, single submitter. Criteria: Ambry Variant Classification Scheme 2023. Collection method: clinical testing. Allele origin: germline.

Labcorp Genetics (formerly Invitae), Labcorp
Classification: Uncertain significance for Neurodegeneration with brain iron accumulation 6. Last evaluated: 2025-04-20. Review status: criteria provided, single submitter. Criteria: Invitae Variant Classification Sherloc (09022015). Collection method: clinical testing. Allele origin: germline.
Comment: This sequence change replaces alanine, which is neutral and non-polar, with threonine, which is neutral and polar, at codon 510 of the COASY protein (p.Ala510Thr). The frequency data for this variant in the population databases is considered unreliable, as metrics indicate poor data quality at this position in the gnomAD database. This variant has not been reported in the literature in individuals affected with COASY-related conditions. ClinVar contains an entry for this variant (Variation ID: 1418186). Invitae Evidence Modeling of protein sequence and biophysical properties (such as structural, functional, and spatial information, amino acid conservation, physicochemical variation, residue mobility, and thermodynamic stability) indicates that this missense variant is not expected to disrupt COASY protein function with a negative predictive value of 80%. In summary, the available evidence is currently insufficient to determine the role of this variant in disease. Therefore, it has been classified as a Variant of Uncertain Significance.

GeneDx
Classification: Uncertain significance. Last evaluated: 2024-05-29. Review status: criteria provided, single submitter. Criteria: GeneDx Variant Classification Process June 2021. Collection method: clinical testing. Allele origin: germline. Affected: yes.
Comment: In silico analysis indicates that this missense variant does not alter protein structure/function; Has not been previously published as pathogenic or benign to our knowledge